The following is an entry in ClinVar:

NM_001211.6(BUB1B):c.2308C>T (p.Arg770Ter)

Gene: BUB1B (BUB1 mitotic checkpoint serine/threonine kinase B; plus strand). Cytogenetic location: 15q15.1.
Variant type: single nucleotide variant.
Coding change: c.2308C>T on transcript NM_001211.6 (MANE Select); coding-DNA position 2308, C replaced by T.
Protein change: p.Arg770Ter; replaces arginine 770 with a stop codon.
Molecular consequence: nonsense.
Genome position (GRCh38, 1-based): chr15:40,210,133, C>T. VCF-style: chr15-40210133-C-T. GRCh37 (hg19) VCF-style: chr15-40502334-C-T.
Other names: short protein forms R770*.
Identifiers: ClinVar variation 403749 (VCV000403749.8), dbSNP rs750364303, ClinGen allele CA7476012.

ClinVar aggregate classification (germline): Pathogenic (1 of 4 stars; one submission).

Conditions:
Mosaic variegated aneuploidy syndrome 1 (MVA1). Also called: Warburton-Anyane-Yeboa syndrome. Identifiers: Orphanet 1052, MedGen C1850343, MONDO:0009759, OMIM 257300.

Allele frequency attached by ClinVar (database versions not stated): TOPMed below 0.00001; gnomAD 0.00001; ExAC 0.00002; gnomAD exomes 0.00002.
gnomAD v4.1: 22 of 1,611,286 alleles (0.0014%); highest among the groups gnomAD compares: Non-Finnish European, 0.0018%; no homozygotes.

Submission:

Labcorp Genetics (formerly Invitae), Labcorp
Classification: Pathogenic for Mosaic variegated aneuploidy syndrome 1. Last evaluated: 2023-12-18. Review status: criteria provided, single submitter. Criteria: Invitae Variant Classification Sherloc (09022015). Collection method: clinical testing. Allele origin: germline.
Comment: This sequence change creates a premature translational stop signal (p.Arg770*) in the BUB1B gene. It is expected to result in an absent or disrupted protein product. Loss-of-function variants in BUB1B are known to be pathogenic (PMID: 15475955, 21190457). This variant is present in population databases (rs750364303, gnomAD 0.004%). This variant has not been reported in the literature in individuals affected with BUB1B-related conditions. ClinVar contains an entry for this variant (Variation ID: 403749). Algorithms developed to predict the effect of sequence changes on RNA splicing suggest that this variant may disrupt the consensus splice site. For these reasons, this variant has been classified as Pathogenic.

Literature cited by the submitters: PubMed 15475955; PubMed 21190457.